The following is an entry in ClinVar:

ClinVar aggregate classification (germline): Uncertain significance (1 of 4 stars; one submission).

Submission:

Women's Health and Genetics/Laboratory Corporation of America, LabCorp
Classification: Uncertain significance. Last evaluated: 2025-11-10. Review status: criteria provided, single submitter. Criteria: LabCorp Variant Classification Summary - May 2015. Collection method: clinical testing. Allele origin: germline.
Comment: Variant summary: ADAMTS2 c.784_786delinsAGA (p.Ala262Arg) results in a non-conservative amino acid change in the encoded protein sequence. Algorithms developed to predict the effect of missense changes on protein structure and function are either unavailable or do not agree on the potential impact of this missense change. The variant was absent in 1606850 control chromosomes. The available data on variant occurrences in the general population are insufficient to allow any conclusion about variant significance. To our knowledge, no occurrence of c.784_786delinsAGA in individuals affected with ADAMTS2-related conditions and no experimental evidence demonstrating its impact on protein function have been reported. No submitters have cited clinical-significance assessments for this variant to ClinVar. Based on the evidence outlined above, the variant was classified as uncertain significance.

NM_014244.5(ADAMTS2):c.784_786delinsAGA (p.Ala262Arg)

Gene: ADAMTS2 (ADAM metallopeptidase with thrombospondin type 1 motif 2; minus strand). Cytogenetic location: 5q35.3.
Variant type: Indel.
Coding change: c.784_786delinsAGA on transcript NM_014244.5 (MANE Select); coding-DNA positions 784 to 786, GCG replaced by AGA.
Protein change: p.Ala262Arg; replaces alanine 262 with arginine.
Molecular consequence: missense variant.
Genome position (GRCh38, 1-based): chr5:179,207,618-179,207,620, CGC replaced by TCT on the plus strand (GCG replaced by AGA on the coding strand, the reverse complement: ADAMTS2 is on the minus strand). VCF-style: chr5-179207618-CGC-TCT. GRCh37 (hg19) VCF-style: chr5-178634619-CGC-TCT.
Other names: c.784_786delinsAGA, p.Ala262Arg (NM_021599.4); short protein forms A262R.
Identifiers: ClinVar variation 4536908 (VCV004536908.1).